The following is an entry in ClinVar:

NC_000001.10:g.(?_76194064)_(76216241_?)del

Gene: ACADM (acyl-CoA dehydrogenase medium chain; plus strand). Cytogenetic location: 1p31.1.
Variant type: Deletion.
Identifiers: ClinVar variation 1456859 (VCV001456859.5).

ClinVar aggregate classification (germline): Pathogenic (1 of 4 stars; one submission).

Conditions:
Medium-chain acyl-coenzyme A dehydrogenase deficiency (ACADMD). Also called: MCAD Deficiency; MCADH DEFICIENCY; CARNITINE DEFICIENCY SECONDARY TO MEDIUM-CHAIN ACYL-CoA DEHYDROGENASE DEFICIENCY; ACADM DEFICIENCY; Medium chain acyl-CoA dehydrogenase deficiency; MCADD. Identifiers: Orphanet 42, MedGen C0220710, MONDO:0008721, OMIM 201450.

Submission:

Labcorp Genetics (formerly Invitae), Labcorp
Classification: Pathogenic for Medium-chain acyl-coenzyme A dehydrogenase deficiency. Last evaluated: 2021-08-12. Review status: criteria provided, single submitter. Criteria: Invitae Variant Classification Sherloc (09022015). Collection method: clinical testing. Allele origin: germline.
Comment: This variant is a gross deletion of the genomic region encompassing exon(s) 2-10 of the ACADM gene. This variant would be expected to be in-frame, preserving the integrity of the reading frame. This variant has not been reported in the literature in individuals affected with ACADM-related conditions. The region of the ACADM gene that includes exon(s) 10 has been determined to be clinically significant (Invitae). Therefore, deletions that encompass that region are likely to be disease-causing. For these reasons, this variant has been classified as Pathogenic.